The following is an entry in ClinVar:

NM_177550.5(SLC13A5):c.1276-63C>T

Gene: SLC13A5 (solute carrier family 13 member 5; minus strand). Cytogenetic location: 17p13.1.
Variant type: single nucleotide variant.
Coding change: c.1276-63C>T on transcript NM_177550.5 (MANE Select); 63 bases into the intron before coding-DNA position 1276, C replaced by T.
Molecular consequence: intron variant.
Genome position (GRCh38, 1-based): chr17:6,691,003, G>A on the plus strand (C>T on the coding strand, the complement: SLC13A5 is on the minus strand). VCF-style: chr17-6691003-G-A. GRCh37 (hg19) VCF-style: chr17-6594322-G-A.
Other names: c.1147-63C>T (NM_001284510.2); c.1225-63C>T (NM_001284509.2); c.1276-63C>T (NM_001143838.3).
Identifiers: ClinVar variation 671721 (VCV000671721.4), dbSNP rs4796540, ClinGen allele CA14444404.

ClinVar aggregate classification (germline): Benign. Review status: criteria provided, multiple submitters, no conflicts (2 of 4 stars). 3 submissions from 3 submitters: Benign (3). Last evaluated 2024-07-15.

Allele frequency attached by ClinVar (database versions not stated): gnomAD exomes 0.18730; 1000 Genomes Project 0.21625; 1000 Genomes Project 30x 0.22470; gnomAD 0.23307 and 0.23897; TOPMed 0.24584.
gnomAD v4.1: 295,394 of 1,540,610 alleles (19%); highest among the groups gnomAD compares: African/African-American, 35%; 30,307 homozygotes.

Submissions (3):

Unidad de Genómica Garrahan, Hospital de Pediatría Garrahan
Classification: Benign. Last evaluated: 2024-07-15. Review status: criteria provided, single submitter. Criteria: ACMG Guidelines, 2015. Collection method: clinical testing. Allele origin: germline. Affected: no. Observed: 39 variant alleles.
Comment: This variant is classified as Benign based on local population frequency. This variant was detected in 42% of patients studied in a panel designed for Epileptic and Developmental Encephalopathy and Progressive Myoclonus Epilepsy. Number of patients: 39. Only high quality variants are reported.

GeneDx
Classification: Benign. Last evaluated: 2018-06-19. Review status: criteria provided, single submitter. Criteria: GeneDx Variant Classification (06012015). Collection method: clinical testing. Allele origin: germline. Affected: yes.
Comment: This variant is considered likely benign or benign based on one or more of the following criteria: it is a conservative change, it occurs at a poorly conserved position in the protein, it is predicted to be benign by multiple in silico algorithms, and/or has population frequency not consistent with disease.

Breakthrough Genomics
Classification: Benign. Review status: criteria provided, single submitter. Criteria: ACMG Guidelines, 2015. Collection method: not provided. Allele origin: germline. Inheritance: Autosomal recessive inheritance. Affected: yes.